The following is an entry in ClinVar:

NM_001375380.1(EBF3):c.554G>C (p.Arg185Thr)

Gene: EBF3 (EBF transcription factor 3; minus strand). Cytogenetic location: 10q26.3.
Variant type: single nucleotide variant.
Coding change: c.554G>C on transcript NM_001375380.1 (MANE Select); coding-DNA position 554, G replaced by C.
Protein change: p.Arg185Thr; replaces arginine 185 with threonine.
Molecular consequence: missense variant.
Genome position (GRCh38, 1-based): chr10:129,957,258, C>G on the plus strand (G>C on the coding strand, the complement: EBF3 is on the minus strand). VCF-style: chr10-129957258-C-G. GRCh37 (hg19) VCF-style: chr10-131755522-C-G.
Other names: c.554G>C, p.Arg185Thr (NM_001005463.3, NM_001375379.1, NM_001375389.1 and 3 more transcripts); short protein forms R185T.
Identifiers: ClinVar variation 1709699 (VCV001709699.2), dbSNP rs1554934855, ClinGen allele CA378910427.

ClinVar aggregate classification (germline): Uncertain significance (1 of 4 stars; one submission).

Conditions:
Hypotonia, ataxia, and delayed development syndrome (HADDS). Also called: EBF3 Neurodevelopmental Disorder. Identifiers: Orphanet 658843, MedGen C4310618, MONDO:0015021, OMIM 617330.

Submission:

MGZ Medical Genetics Center
Classification: Uncertain significance for Hypotonia, ataxia, and delayed development syndrome. Last evaluated: 2022-07-29. Review status: criteria provided, single submitter. Criteria: ACMG Guidelines, 2015. Collection method: clinical testing. Allele origin: germline. Affected: yes. Observed: 2 variant alleles.
Comment: ACMG criteria applied: PM2_SUP, PM5_SUP, PP2, PP3